The following is an entry in ClinVar:

ClinVar aggregate classification (germline): Conflicting classifications of pathogenicity. Review status: criteria provided, conflicting classifications (1 of 4 stars). 4 submissions from 4 submitters: Uncertain significance (3); Likely benign (1). Last evaluated 2025-12-24.

Conditions:
Inborn genetic diseases. Identifiers: MedGen C0950123, MeSH D030342.
Immunodeficiency 35 (IMD35). Also called: TYK2 DEFICIENCY; HIES WITH ATYPICAL MYCOBACTERIOSIS, AUTOSOMAL RECESSIVE; HYPER-IgE SYNDROME WITH ATYPICAL MYCOBACTERIOSIS, AUTOSOMAL RECESSIVE; Susceptibility to infection due to TYK2 deficiency. Identifiers: Orphanet 331226, MedGen C1969086, MONDO:0012682, OMIM 611521.

Allele frequency attached by ClinVar (database versions not stated): gnomAD exomes 0.00004 and 0.00011; ESP Exome Variant Server 0.00008; gnomAD 0.00011; TOPMed 0.00011; 1000 Genomes Project 30x 0.00016.
gnomAD v4.1: 82 of 1,613,040 alleles (0.0051%); highest among the groups gnomAD compares: East Asian, 0.053%; no homozygotes.

Submissions (4):

Labcorp Genetics (formerly Invitae), Labcorp
Classification: Likely benign for Immunodeficiency 35. Last evaluated: 2025-12-24. Review status: criteria provided, single submitter. Criteria: Invitae Variant Classification Sherloc (09022015). Collection method: clinical testing. Allele origin: germline.

Ambry Genetics
Classification: Uncertain significance for Inborn genetic diseases. Last evaluated: 2023-05-17. Review status: criteria provided, single submitter. Criteria: Ambry Variant Classification Scheme 2023. Collection method: clinical testing. Allele origin: germline.

GeneDx
Classification: Uncertain significance. Last evaluated: 2017-08-28. Review status: criteria provided, single submitter. Criteria: GeneDx Variant Classification (06012015). Collection method: clinical testing. Allele origin: germline. Affected: yes.
Comment: The R269C variant has not been published as a pathogenic variant, nor has it been reported as a benign variant to our knowledge. The variant is observed in 6/8356 (0.07%) alleles from individuals of East Asian background in the ExAC dataset (Lek et al., 2016). R269C is a non-conservative amino acid substitution, which is likely to impact secondary protein structure as these residues differ in polarity, charge, size and/or other properties. However, this substitution occurs at a position that is not conserved, and in silico analysis is inconsistent in its predictions as to whether or not the variant is damaging to the protein structure/function. In summary, based on the currently available information, it is unclear whether this variant is a pathogenic variant or a rare benign variant.

Breakthrough Genomics
Classification: Uncertain significance. Review status: criteria provided, single submitter. Criteria: ACMG Guidelines, 2015. Collection method: not provided. Allele origin: germline. Inheritance: Autosomal recessive inheritance. Affected: yes.

NM_003331.5(TYK2):c.805C>T (p.Arg269Cys)

Gene: TYK2 (tyrosine kinase 2; minus strand). Cytogenetic location: 19p13.2.
Variant type: single nucleotide variant.
Coding change: c.805C>T on transcript NM_003331.5 (MANE Select); coding-DNA position 805, C replaced by T.
Protein change: p.Arg269Cys; replaces arginine 269 with cysteine.
Molecular consequence: missense variant.
Genome position (GRCh38, 1-based): chr19:10,365,723, G>A on the plus strand (C>T on the coding strand, the complement: TYK2 is on the minus strand). VCF-style: chr19-10365723-G-A. GRCh37 (hg19) VCF-style: chr19-10476399-G-A.
Other names: c.805C>T (LRG_121t1); short protein forms R269C.
Identifiers: ClinVar variation 451636 (VCV000451636.13), dbSNP rs368109068, ClinGen allele CA9193611.
Genomic context (GRCh38, chr19:10,365,723, plus strand): 5'-CCCCCTCGGCCTGGGCCAGCAGCCTCAGGTGGCACACGGGCACACGCTCTGTGCCGAAGC[G>A]GGGTGCCAGCCGCTCGAGTGTGGCTAGGTATTTGACCATGACCATCTGCTGGGAGAGTCG-3'
Protein context (NP_003322.3, residues 259-279): YLATLERLAP[Arg269Cys]FGTERVPVCH